The following is an entry in ClinVar:

ClinVar aggregate classification (germline): Uncertain significance (1 of 4 stars; one submission).

Submission:

Labcorp Genetics (formerly Invitae), Labcorp
Classification: Uncertain significance. Last evaluated: 2022-02-19. Review status: criteria provided, single submitter. Criteria: Invitae Variant Classification Sherloc (09022015). Collection method: clinical testing. Allele origin: germline.
Comment: This sequence change replaces glycine, which is neutral and non-polar, with alanine, which is neutral and non-polar, at codon 1936 of the POLE protein (p.Gly1936Ala). This variant is not present in population databases (gnomAD no frequency). This variant has not been reported in the literature in individuals affected with POLE-related conditions. Algorithms developed to predict the effect of missense changes on protein structure and function (SIFT, PolyPhen-2, Align-GVGD) all suggest that this variant is likely to be tolerated. In summary, the available evidence is currently insufficient to determine the role of this variant in disease. Therefore, it has been classified as a Variant of Uncertain Significance.

NM_006231.4(POLE):c.5807G>C (p.Gly1936Ala)

Gene: POLE (DNA polymerase epsilon, catalytic subunit; minus strand). Cytogenetic location: 12q24.33.
Variant type: single nucleotide variant.
Coding change: c.5807G>C on transcript NM_006231.4 (MANE Select); coding-DNA position 5807, G replaced by C.
Protein change: p.Gly1936Ala; replaces glycine 1936 with alanine.
Molecular consequence: missense variant.
Genome position (GRCh38, 1-based): chr12:132,635,896, C>G on the plus strand (G>C on the coding strand, the complement: POLE is on the minus strand). VCF-style: chr12-132635896-C-G. GRCh37 (hg19) VCF-style: chr12-133212482-C-G.
Other names: short protein forms G1936A.
Identifiers: ClinVar variation 1407572 (VCV001407572.8), dbSNP rs2138484574, ClinGen allele CA387372676.